The following is an entry in ClinVar:

ClinVar aggregate classification (germline): Pathogenic (1 of 4 stars; one submission).

Conditions:
Joubert syndrome. Also called: CEREBELLOPARENCHYMAL DISORDER IV; JOUBERT-BOLTSHAUSER SYNDROME; Familial aplasia of the vermis. Identifiers: Orphanet 475, MedGen C5979921, MONDO:0018772.
Meckel-Gruber syndrome. Also called: DYSENCEPHALIA SPLANCHNOCYSTICA; GRUBER SYNDROME; Dysencephalia splachnocystica. Identifiers: Orphanet 564, MedGen C0265215, MONDO:0018921.

Submission:

Labcorp Genetics (formerly Invitae), Labcorp
Classification: Pathogenic for Joubert syndrome; Meckel-Gruber syndrome. Last evaluated: 2025-03-18. Review status: criteria provided, single submitter. Criteria: Invitae Variant Classification Sherloc (09022015). Collection method: clinical testing. Allele origin: germline.
Comment: This sequence change creates a premature translational stop signal (p.Thr391Leufs*26) in the TMEM67 gene. It is expected to result in an absent or disrupted protein product. Loss-of-function variants in TMEM67 are known to be pathogenic (PMID: 20232449, 23559409). This variant is not present in population databases (gnomAD no frequency). This variant has not been reported in the literature in individuals affected with TMEM67-related conditions. For these reasons, this variant has been classified as Pathogenic.

Literature cited by the submitters: PubMed 20232449; PubMed 23559409.

NM_153704.6(TMEM67):c.1170del (p.Thr391fs)

Gene: TMEM67 (transmembrane protein 67; plus strand). Cytogenetic location: 8q22.1.
Variant type: Deletion.
Coding change: c.1170del on transcript NM_153704.6 (MANE Select); coding-DNA position 1170, one base deleted (C; older notation c.1170delC).
Protein change: p.Thr391fs; shifts the reading frame from threonine 391.
Molecular consequence: frameshift variant. On other transcripts: non-coding transcript variant (1).
Genome position (GRCh38, 1-based): chr8:93,785,260, C deleted; the last of 3 consecutive C bases (chr8:93,785,258-93,785,260); deleting any one gives the same sequence. VCF-style (leftmost placement, unchanged base first): chr8-93785257-TC-T. GRCh37 (hg19) VCF-style: chr8-94797485-TC-T.
Other names: c.927del, p.Thr310fs (NM_001142301.1); short protein forms T310fs, T391fs.
Identifiers: ClinVar variation 3750066 (VCV003750066.2).